The following is an entry in ClinVar:

ClinVar aggregate classification (germline): Uncertain significance (1 of 4 stars; one submission).

Submission:

Labcorp Genetics (formerly Invitae), Labcorp
Classification: Uncertain significance. Last evaluated: 2021-08-01. Review status: criteria provided, single submitter. Criteria: Invitae Variant Classification Sherloc (09022015). Collection method: clinical testing. Allele origin: germline.
Comment: This sequence change replaces phenylalanine with leucine at codon 88 of the PIGV protein (p.Phe88Leu). The phenylalanine residue is moderately conserved and there is a small physicochemical difference between phenylalanine and leucine. This variant is not present in population databases (ExAC no frequency). This variant has not been reported in the literature in individuals affected with PIGV-related conditions. Algorithms developed to predict the effect of missense changes on protein structure and function are either unavailable or do not agree on the potential impact of this missense change (SIFT: "Tolerated"; PolyPhen-2: "Probably Damaging"; Align-GVGD: "Class C0"). In summary, the available evidence is currently insufficient to determine the role of this variant in disease. Therefore, it has been classified as a Variant of Uncertain Significance.

NM_017837.4(PIGV):c.262T>C (p.Phe88Leu)

Gene: PIGV (phosphatidylinositol glycan anchor biosynthesis class V; plus strand). Cytogenetic location: 1p36.11.
Variant type: single nucleotide variant.
Coding change: c.262T>C on transcript NM_017837.4 (MANE Select); coding-DNA position 262, T replaced by C.
Protein change: p.Phe88Leu; replaces phenylalanine 88 with leucine.
Molecular consequence: missense variant. On other transcripts: 5 prime UTR variant (1), non-coding transcript variant (1), intron variant (3).
Genome position (GRCh38, 1-based): chr1:26,794,296, T>C. VCF-style: chr1-26794296-T-C. GRCh37 (hg19) VCF-style: chr1-27120787-T-C.
Other names: c.262T>C, p.Phe88Leu (NM_001202554.2, NM_001374478.1, NM_001374480.1 and 2 more transcripts); c.-120T>C (NM_001374483.1); c.172+90T>C (NM_001374484.1, NM_001374485.1); c.79-3267T>C (NM_001374486.1); short protein forms F88L.
Identifiers: ClinVar variation 1523269 (VCV001523269.3), dbSNP rs2081350104, ClinGen allele CA339199187.